The following is an entry in ClinVar:

NM_001270891.2(TRAPPC6A):c.223G>A (p.Val75Met)

Gene: TRAPPC6A (trafficking protein particle complex subunit 6A; minus strand). Cytogenetic location: 19q13.32.
Variant type: single nucleotide variant.
Coding change: c.223G>A on transcript NM_001270891.2 (MANE Select); coding-DNA position 223, G replaced by A.
Protein change: p.Val75Met; replaces valine 75 with methionine.
Molecular consequence: missense variant.
Genome position (GRCh38, 1-based): chr19:45,164,900, C>T on the plus strand (G>A on the coding strand, the complement: TRAPPC6A is on the minus strand). VCF-style: chr19-45164900-C-T. GRCh37 (hg19) VCF-style: chr19-45668158-C-T.
Other names: c.197G>A, p.Gly66Asp (NM_001270892.2); c.155G>A, p.Gly52Asp (NM_001270893.2); c.265G>A, p.Val89Met (NM_024108.3); short protein forms G52D, G66D, V75M, V89M.
Identifiers: ClinVar variation 3060326 (VCV003060326.2), dbSNP rs201975024, ClinGen allele CA9510051.

ClinVar aggregate classification (germline): Benign (0 of 4 stars; one submission).

Conditions:
TRAPPC6A-related disorder. Also called: TRAPPC6A-related condition.

Allele frequency attached by ClinVar (database versions not stated): gnomAD exomes 0.00027; gnomAD 0.00031; TOPMed 0.00035; ExAC 0.00056; 1000 Genomes Project 30x 0.00062; 1000 Genomes Project 0.00080.
gnomAD v4.1: 441 of 1,614,148 alleles (0.027%); highest among the groups gnomAD compares: East Asian, 0.94%; 2 homozygotes.

Submission:

PreventionGenetics, part of Exact Sciences
Classification: Benign for TRAPPC6A-related condition. Last evaluated: 2019-09-18. Review status: no assertion criteria provided. Collection method: clinical testing. Allele origin: germline.
Comment: This variant is classified as benign based on ACMG/AMP sequence variant interpretation guidelines (Richards et al. 2015 PMID: 25741868, with internal and published modifications).